The following is an entry in ClinVar:

ClinVar aggregate classification (germline): Uncertain significance (1 of 4 stars; one submission).

Conditions:
TBC1D31-related disorder. Also called: TBC1D31-related condition.

gnomAD v4.1: 5 of 1,607,278 alleles (0.00031%); highest among the groups gnomAD compares: Non-Finnish European, 0.00042%; no homozygotes.

Submission:

PreventionGenetics, part of Exact Sciences
Classification: Uncertain significance for TBC1D31-related condition. Last evaluated: 2022-09-20. Review status: criteria provided, single submitter. Criteria: ACMG Guidelines, 2015. Collection method: clinical testing. Allele origin: germline.
Comment: The TBC1D31 c.1463C>G variant is predicted to result in the amino acid substitution p.Ser488Cys. To our knowledge, this variant has not been reported in the literature or in a large population database, indicating this variant is rare. At this time, the clinical significance of this variant is uncertain due to the absence of conclusive functional and genetic evidence.

NM_145647.4(TBC1D31):c.1463C>G (p.Ser488Cys)

Gene: TBC1D31 (TBC1 domain family member 31; plus strand). Cytogenetic location: 8q24.13.
Variant type: single nucleotide variant.
Coding change: c.1463C>G on transcript NM_145647.4 (MANE Select); coding-DNA position 1463, C replaced by G.
Protein change: p.Ser488Cys; replaces serine 488 with cysteine.
Molecular consequence: missense variant. On other transcripts: intron variant (1).
Genome position (GRCh38, 1-based): chr8:123,120,081, C>G. VCF-style: chr8-123120081-C-G. GRCh37 (hg19) VCF-style: chr8-124132321-C-G.
Other names: c.1463C>G, p.Ser488Cys (NM_001145088.2, NM_001363148.1, NM_001363150.1 and 2 more transcripts); c.1148C>G, p.Ser383Cys (NM_001330606.2, NM_001363152.1, NM_001363154.1 and 1 more transcripts); c.1433C>G, p.Ser478Cys (NM_001363149.1); c.71-5975C>G (NM_001363156.1); short protein forms S383C, S478C, S488C.
Identifiers: ClinVar variation 2636513 (VCV002636513.1), dbSNP rs2489525460, ClinGen allele CA372099987.
Genomic context (GRCh38, chr8:123,120,081, plus strand): 5'-AATAAATTTTAATGCTAAGTTATTTTATTCACAGAACCTTATCTGCATTAGCTCACTGGT[C>G]TGTCATTTTTAGTGACACACCATATCTTCCACTCTTGGCATTTCCATTTGTAAAATTATT-3'
Protein context (NP_663622.2, residues 478-498): QRTLSALAHW[Ser488Cys]VIFSDTPYLP